The following is an entry in ClinVar:

ClinVar aggregate classification (germline): Uncertain significance (1 of 4 stars; one submission).

Submission:

Labcorp Genetics (formerly Invitae), Labcorp
Classification: Uncertain significance. Last evaluated: 2025-03-10. Review status: criteria provided, single submitter. Criteria: Invitae Variant Classification Sherloc (09022015). Collection method: clinical testing. Allele origin: germline.
Comment: This sequence change creates a premature translational stop signal (p.Glu1158*) in the OBSL1 gene. However, it is currently unclear if variants that occur in this region of the gene cause disease. This variant is not present in population databases (gnomAD no frequency). This variant has not been reported in the literature in individuals affected with OBSL1-related conditions. Algorithms developed to predict the effect of sequence changes on RNA splicing suggest that this variant may disrupt the consensus splice site. In summary, the available evidence is currently insufficient to determine the role of this variant in disease. Therefore, it has been classified as a Variant of Uncertain Significance.

NM_015311.3(OBSL1):c.3472G>T (p.Glu1158Ter)

Gene: OBSL1 (obscurin like cytoskeletal adaptor 1; minus strand). Cytogenetic location: 2q35.
Variant type: single nucleotide variant.
Coding change: c.3472G>T on transcript NM_015311.3 (MANE Select); coding-DNA position 3472, G replaced by T.
Protein change: p.Glu1158Ter; replaces glutamic acid 1158 with a stop codon.
Molecular consequence: nonsense.
Genome position (GRCh38, 1-based): chr2:219,558,214, C>A on the plus strand (G>T on the coding strand, the complement: OBSL1 is on the minus strand). VCF-style: chr2-219558214-C-A. GRCh37 (hg19) VCF-style: chr2-220422936-C-A.
Other names: c.3472G>T, p.Glu1158Ter (NM_001173431.2); short protein forms E1158*.
Identifiers: ClinVar variation 4714029 (VCV004714029.1).